The following is an entry in ClinVar:

NM_000019.4(ACAT1):c.1003A>G (p.Met335Val)

Gene: ACAT1 (acetyl-CoA acetyltransferase 1; plus strand). Cytogenetic location: 11q22.3.
Variant type: single nucleotide variant.
Coding change: c.1003A>G on transcript NM_000019.4 (MANE Select); coding-DNA position 1003, A replaced by G.
Protein change: p.Met335Val; replaces methionine 335 with valine.
Molecular consequence: missense variant. On other transcripts: non-coding transcript variant (1).
Genome position (GRCh38, 1-based): chr11:108,144,045, A>G. VCF-style: chr11-108144045-A-G. GRCh37 (hg19) VCF-style: chr11-108014772-A-G.
Other names: c.1003A>G (NM_000019.3); c.1003A>G, p.Met335Val (NM_001386677.1); c.688A>G, p.Met230Val (NM_001386678.1); c.706A>G, p.Met236Val (NM_001386679.1); c.733A>G, p.Met245Val (NM_001386681.1, NM_001386682.1, NM_001386685.1 and 6 more transcripts); short protein forms M230V, M335V, M245V, M236V.
Identifiers: ClinVar variation 1040042 (VCV001040042.9), dbSNP rs369440498, ClinGen allele CA6263331.

ClinVar aggregate classification (germline): Uncertain significance. Review status: criteria provided, multiple submitters, no conflicts (2 of 4 stars). 3 submissions from 3 submitters: Uncertain significance (2). 1 of the submissions does not count toward it. Last evaluated 2025-09-28.

Conditions:
Inborn genetic diseases. Identifiers: MedGen C0950123, MeSH D030342.
Deficiency of acetyl-CoA acetyltransferase. Also called: MITOCHONDRIAL ACETOACETYL-CoA THIOLASE DEFICIENCY; Beta-ketothiolase deficiency; 3-KETOTHIOLASE DEFICIENCY; 3-OXOTHIOLASE DEFICIENCY. Identifiers: Orphanet 134, MedGen C1536500, MONDO:0008760, OMIM 203750. Disease mechanism: loss of function.

Allele frequency attached by ClinVar (database versions not stated): ExAC 0.00002; gnomAD exomes 0.00003; gnomAD 0.00012; ESP Exome Variant Server 0.00015; 1000 Genomes Project 30x 0.00016; 1000 Genomes Project 0.00020.
gnomAD v4.1: 54 of 1,401,212 alleles (0.0039%); highest among the groups gnomAD compares: African/African-American, 0.036%; no homozygotes.

Submissions (3):

Ambry Genetics
Classification: Uncertain significance for Inborn genetic diseases. Last evaluated: 2025-09-28. Review status: criteria provided, single submitter. Criteria: Ambry Variant Classification Scheme 2023. Collection method: clinical testing. Allele origin: germline.

Labcorp Genetics (formerly Invitae), Labcorp
Classification: Uncertain significance for Deficiency of acetyl-CoA acetyltransferase. Last evaluated: 2021-11-22. Review status: criteria provided, single submitter. Criteria: Invitae Variant Classification Sherloc (09022015). Collection method: clinical testing. Allele origin: germline.
Comment: This sequence change replaces methionine, which is neutral and non-polar, with valine, which is neutral and non-polar, at codon 335 of the ACAT1 protein (p.Met335Val). This variant is present in population databases (rs369440498, gnomAD 0.02%). This variant has not been reported in the literature in individuals affected with ACAT1-related conditions. ClinVar contains an entry for this variant (Variation ID: 1040042). Algorithms developed to predict the effect of missense changes on protein structure and function (SIFT, PolyPhen-2, Align-GVGD) all suggest that this variant is likely to be tolerated. In summary, the available evidence is currently insufficient to determine the role of this variant in disease. Therefore, it has been classified as a Variant of Uncertain Significance.

Natera, Inc.
Classification: Uncertain significance for Alpha-methylacetoacetic aciduria. Last evaluated: 2020-05-29. Review status: no assertion criteria provided. Collection method: clinical testing. Allele origin: germline. Not counted in ClinVar's aggregate classification.